The following is an entry in ClinVar:

NM_000186.4(CFH):c.1532T>G (p.Ile511Ser)

Gene: CFH (complement factor H; plus strand). Cytogenetic location: 1q31.3.
Variant type: single nucleotide variant.
Coding change: c.1532T>G on transcript NM_000186.4 (MANE Select); coding-DNA position 1532, T replaced by G.
Protein change: p.Ile511Ser; replaces isoleucine 511 with serine.
Molecular consequence: missense variant.
Genome position (GRCh38, 1-based): chr1:196,715,605, T>G. VCF-style: chr1-196715605-T-G. GRCh37 (hg19) VCF-style: chr1-196684735-T-G.
Other names: short protein forms I511S.
Identifiers: ClinVar variation 1514198 (VCV001514198.7), dbSNP rs1420895923, ClinGen allele CA343982710.

ClinVar aggregate classification (germline): Uncertain significance. Review status: criteria provided, multiple submitters, no conflicts (2 of 4 stars). 2 submissions from 2 submitters: Uncertain significance (2). Last evaluated 2026-01-06.

Conditions:
Basal laminar drusen. Also called: DRUSEN OF BRUCH MEMBRANE; DRUSEN, CUTICULAR; DRUSEN, EARLY ADULT-ONSET, GROUPED. Identifiers: Orphanet 75376, MedGen C0730295, MONDO:0007472, OMIM 126700.
Factor H deficiency (CFHD). Also called: COMPLEMENT FACTOR H DEFICIENCY; CFH DEFICIENCY. Identifiers: Orphanet 200421, MedGen C0398777, MONDO:0012350, OMIM 609814.
Hemolytic uremic syndrome, atypical, susceptibility to, 1. Also called: AHUS, SUSCEPTIBILITY TO, 1. Identifiers: Orphanet 2134, Orphanet 90038, MedGen C2749604, MONDO:0009335, OMIM 235400. Disease mechanism: Other.
Age related macular degeneration 4. Identifiers: MedGen C1853147, MONDO:0012540, OMIM 610698.

Allele frequency attached by ClinVar (database versions not stated): gnomAD exomes below 0.00001 and 0.00001; TOPMed below 0.00001.
gnomAD v4.1: 6 of 1,611,724 alleles (0.00037%); highest among the groups gnomAD compares: Non-Finnish European, 0.00051%; no homozygotes.

Submissions (2):

Labcorp Genetics (formerly Invitae), Labcorp
Classification: Uncertain significance. Last evaluated: 2026-01-06. Review status: criteria provided, single submitter. Criteria: Invitae Variant Classification Sherloc (09022015). Collection method: clinical testing. Allele origin: germline.
Comment: This sequence change replaces isoleucine, which is neutral and non-polar, with serine, which is neutral and polar, at codon 511 of the CFH protein (p.Ile511Ser). This variant is present in population databases (no rsID available, gnomAD 0.0009%). This variant has not been reported in the literature in individuals affected with CFH-related conditions. ClinVar contains an entry for this variant (Variation ID: 1514198). An algorithm developed to predict the effect of missense changes on protein structure and function (PolyPhen-2) suggests that this variant is likely to be tolerated. In summary, the available evidence is currently insufficient to determine the role of this variant in disease. Therefore, it has been classified as a Variant of Uncertain Significance.

Fulgent Genetics
Classification: Uncertain significance for Basal laminar drusen; Hemolytic uremic syndrome, atypical, susceptibility to, 1; Factor H deficiency; Age related macular degeneration 4. Last evaluated: 2024-06-03. Review status: criteria provided, single submitter. Criteria: ACMG Guidelines, 2015. Collection method: clinical testing. Allele origin: germline.